The following is an entry in ClinVar:

ClinVar aggregate classification (germline): Uncertain significance (1 of 4 stars; one submission).

Submission:

Labcorp Genetics (formerly Invitae), Labcorp
Classification: Uncertain significance. Last evaluated: 2025-10-05. Review status: criteria provided, single submitter. Criteria: Invitae Variant Classification Sherloc (09022015). Collection method: clinical testing. Allele origin: germline.
Comment: This sequence change replaces methionine, which is neutral and non-polar, with leucine, which is neutral and non-polar, at codon 526 of the ROR2 protein (p.Met526Leu). This variant is present in population databases (rs753913085, gnomAD 0.02%). This variant has not been reported in the literature in individuals affected with ROR2-related conditions. Invitae Evidence Modeling of protein sequence and biophysical properties (such as structural, functional, and spatial information, amino acid conservation, physicochemical variation, residue mobility, and thermodynamic stability) indicates that this missense variant is not expected to disrupt ROR2 protein function with a negative predictive value of 80%. In summary, the available evidence is currently insufficient to determine the role of this variant in disease. Therefore, it has been classified as a Variant of Uncertain Significance.

NM_004560.4(ROR2):c.1576A>C (p.Met526Leu)

Gene: ROR2 (receptor tyrosine kinase like orphan receptor 2; minus strand). Cytogenetic location: 9q22.31.
Variant type: single nucleotide variant.
Coding change: c.1576A>C on transcript NM_004560.4 (MANE Select); coding-DNA position 1576, A replaced by C.
Protein change: p.Met526Leu; replaces methionine 526 with leucine.
Molecular consequence: missense variant.
Genome position (GRCh38, 1-based): chr9:91,724,918, T>G on the plus strand (A>C on the coding strand, the complement: ROR2 is on the minus strand). VCF-style: chr9-91724918-T-G. GRCh37 (hg19) VCF-style: chr9-94487200-T-G.
Other names: short protein forms M526L.
Identifiers: ClinVar variation 4755200 (VCV004755200.1).
Genomic context (GRCh38, chr9:91,724,918, plus strand): 5'-CCTTGGTCACCACGCCCAGCAGGCAGACGACGTTGGGGTGTTGCAGCCGTGCTCGCAGCA[T>G]AGCCTCATGCCGGAACTCCTCCCGCAGGGGCCCCTCCGCTTTGTCCTTCAGCGTTTTGAT-3'
Protein context (NP_004551.2, residues 516-536): PLREEFRHEA[Met526Leu]LRARLQHPNV